The following is an entry in ClinVar:

NM_003823.4(TNFRSF6B):c.465A>G (p.Pro155=)

Genes: RTEL1-TNFRSF6B (RTEL1-TNFRSF6B readthrough (NMD candidate); plus strand), TNFRSF6B (TNF receptor superfamily member 6b; plus strand). Cytogenetic location: 20q13.33.
Variant type: single nucleotide variant.
Coding change: c.465A>G on transcript NM_003823.4 (MANE Select); coding-DNA position 465, A replaced by G.
Protein change: p.Pro155=; no amino-acid change (proline 155 retained).
Molecular consequence: synonymous variant. On other transcripts: non-coding transcript variant (1).
Genome position (GRCh38, 1-based): chr20:63,697,368, A>G. VCF-style: chr20-63697368-A-G. GRCh37 (hg19) VCF-style: chr20-62328721-A-G.
Identifiers: ClinVar variation 791514 (VCV000791514.33), dbSNP rs41304826, ClinGen allele CA9966477.

ClinVar aggregate classification (germline): Benign/Likely benign. Review status: criteria provided, multiple submitters, no conflicts (2 of 4 stars). 3 submissions from 3 submitters: Benign (2); Likely benign (1). Last evaluated 2026-02-02.

Allele frequency attached by ClinVar (database versions not stated): 1000 Genomes Project 30x 0.00156; 1000 Genomes Project 0.00180; TOPMed 0.00469; ESP Exome Variant Server 0.00480; gnomAD 0.00552 and 0.00572; gnomAD exomes 0.00592; ExAC 0.00694.
gnomAD v4.1: 12,874 of 1,612,086 alleles (0.8%); highest among the groups gnomAD compares: Non-Finnish European, 0.96%; 63 homozygotes.

Submissions (3):

Labcorp Genetics (formerly Invitae), Labcorp
Classification: Benign. Last evaluated: 2026-02-02. Review status: criteria provided, single submitter. Criteria: Invitae Variant Classification Sherloc (09022015). Collection method: clinical testing. Allele origin: germline.

CeGaT Center for Human Genetics Tuebingen
Classification: Likely benign. Last evaluated: 2023-04-01. Review status: criteria provided, single submitter. Criteria: CeGaT Center For Human Genetics Tuebingen Variant Classification Criteria Version 2. Collection method: clinical testing. Allele origin: germline. Affected: yes. Observed: 3 variant alleles.
Comment: RTEL1-TNFRSF6B: BS2

Breakthrough Genomics
Classification: Benign. Review status: criteria provided, single submitter. Criteria: ACMG Guidelines, 2015. Collection method: not provided. Allele origin: germline. Inheritance: Unknown mechanism. Affected: yes.